The following is an entry in ClinVar:

ClinVar aggregate classification (germline): Benign/Likely benign. Review status: criteria provided, multiple submitters, no conflicts (2 of 4 stars). 4 submissions from 4 submitters: Benign (1); Likely benign (2). 1 of the submissions does not count toward it. Last evaluated 2025-12-19.

Conditions:
Holoprosencephaly 13, X-linked. Identifiers: MedGen C5393308, MONDO:0026763, OMIM 301043.
Mullegama-Klein-Martinez syndrome. Also called: NEURODEVELOPMENTAL DISORDER, X-LINKED, WITH CRANIOFACIAL ABNORMALITIES. Identifiers: MedGen C5193008, MONDO:0026722, OMIM 301022.
STAG2-related disorder. Also called: STAG2-Related Disorders.

Allele frequency attached by ClinVar (database versions not stated): gnomAD 0.00001 and 0.00004; gnomAD exomes 0.00002 and 0.00011; TOPMed 0.00003; ExAC 0.00011; 1000 Genomes Project 0.00079; 1000 Genomes Project 30x 0.00104.
gnomAD v4.1: 22 of 1,183,485 alleles (0.0019%); highest among the groups gnomAD compares: East Asian, 0.063%; no homozygotes.

Submissions (4):

Labcorp Genetics (formerly Invitae), Labcorp
Classification: Benign. Last evaluated: 2025-12-19. Review status: criteria provided, single submitter. Criteria: Invitae Variant Classification Sherloc (09022015). Collection method: clinical testing. Allele origin: germline.

CeGaT Center for Human Genetics Tuebingen
Classification: Likely benign. Last evaluated: 2025-05-01. Review status: criteria provided, single submitter. Criteria: CeGaT Center For Human Genetics Tuebingen Variant Classification Criteria Version 2. Collection method: clinical testing. Allele origin: germline. Affected: yes. Observed: 1 variant allele.
Comment: STAG2: BP4, BP7, BS2

Fulgent Genetics
Classification: Likely benign for Mullegama-Klein-Martinez syndrome; Holoprosencephaly 13, X-linked. Last evaluated: 2021-09-17. Review status: criteria provided, single submitter. Criteria: ACMG Guidelines, 2015. Collection method: clinical testing. Allele origin: unknown.

PreventionGenetics, part of Exact Sciences
Classification: Likely benign for STAG2-related condition. Last evaluated: 2019-02-22. Review status: no assertion criteria provided. Collection method: clinical testing. Allele origin: germline. Not counted in ClinVar's aggregate classification.
Comment: This variant is classified as likely benign based on ACMG/AMP sequence variant interpretation guidelines (Richards et al. 2015 PMID: 25741868, with internal and published modifications).

NM_001042750.2(STAG2):c.1101T>C (p.Phe367=)

Gene: STAG2 (STAG2 cohesin complex component; plus strand). Cytogenetic location: Xq25.
Variant type: single nucleotide variant.
Coding change: c.1101T>C on transcript NM_001042750.2 (MANE Select); coding-DNA position 1101, T replaced by C.
Protein change: p.Phe367=; no amino-acid change (phenylalanine 367 retained).
Molecular consequence: synonymous variant.
Genome position (GRCh38, 1-based): chrX:124,051,204, T>C. VCF-style: chrX-124051204-T-C. GRCh37 (hg19) VCF-style: chrX-123185054-T-C.
Other names: c.1101T>C, p.Phe367= (NM_001042749.2, NM_001042751.2, NM_001282418.2 and 13 more transcripts).
Identifiers: ClinVar variation 1612997 (VCV001612997.21), dbSNP rs190643141, ClinGen allele CA10508711.